The following is an entry in ClinVar:

NM_052945.4(TNFRSF13C):c.538G>A (p.Gly180Ser)

Gene: TNFRSF13C (TNF receptor superfamily member 13C; minus strand). Cytogenetic location: 22q13.2.
Variant type: single nucleotide variant.
Coding change: c.538G>A on transcript NM_052945.4 (MANE Select); coding-DNA position 538, G replaced by A.
Protein change: p.Gly180Ser; replaces glycine 180 with serine.
Molecular consequence: missense variant.
Genome position (GRCh38, 1-based): chr22:41,925,384, C>T on the plus strand (G>A on the coding strand, the complement: TNFRSF13C is on the minus strand). VCF-style: chr22-41925384-C-T. GRCh37 (hg19) VCF-style: chr22-42321388-C-T.
Other names: short protein forms G180S.
Identifiers: ClinVar variation 1063719 (VCV001063719.9), dbSNP rs772090919, ClinGen allele CA10262414.

ClinVar aggregate classification (germline): Uncertain significance (1 of 4 stars; one submission).

Conditions:
Immunodeficiency, common variable, 4. Also called: ANTIBODY DEFICIENCY DUE TO BAFFR DEFECT. Identifiers: Orphanet 1572, Orphanet 696925, MedGen C3150739, MONDO:0013284, OMIM 613494.

Allele frequency attached by ClinVar (database versions not stated): gnomAD 0.00001.
gnomAD v4.1: 28 of 1,605,894 alleles (0.0017%); highest among the groups gnomAD compares: African/African-American, 0.0053%; no homozygotes.

Submission:

Labcorp Genetics (formerly Invitae), Labcorp
Classification: Uncertain significance for Immunodeficiency, common variable, 4. Last evaluated: 2022-12-22. Review status: criteria provided, single submitter. Criteria: Invitae Variant Classification Sherloc (09022015). Collection method: clinical testing. Allele origin: germline.
Comment: The frequency data for this variant in the population databases is considered unreliable, as metrics indicate poor data quality at this position in the gnomAD database. In summary, the available evidence is currently insufficient to determine the role of this variant in disease. Therefore, it has been classified as a Variant of Uncertain Significance. Algorithms developed to predict the effect of missense changes on protein structure and function (SIFT, PolyPhen-2, Align-GVGD) all suggest that this variant is likely to be disruptive. ClinVar contains an entry for this variant (Variation ID: 1063719). This variant has not been reported in the literature in individuals affected with TNFRSF13C-related conditions. This sequence change replaces glycine, which is neutral and non-polar, with serine, which is neutral and polar, at codon 180 of the TNFRSF13C protein (p.Gly180Ser).